The following is an entry in ClinVar:

NM_001232.4(CASQ2):c.292A>G (p.Lys98Glu)

Gene: CASQ2 (calsequestrin 2; minus strand). Cytogenetic location: 1p13.1.
Variant type: single nucleotide variant.
Coding change: c.292A>G on transcript NM_001232.4 (MANE Select); coding-DNA position 292, A replaced by G.
Protein change: p.Lys98Glu; replaces lysine 98 with glutamic acid.
Molecular consequence: missense variant.
Genome position (GRCh38, 1-based): chr1:115,744,855, T>C on the plus strand (A>G on the coding strand, the complement: CASQ2 is on the minus strand). VCF-style: chr1-115744855-T-C. GRCh37 (hg19) VCF-style: chr1-116287476-T-C.
Other names: short protein forms K98E.
Identifiers: ClinVar variation 2099197 (VCV002099197.4), dbSNP rs2526031864, ClinGen allele CA341765347.

ClinVar aggregate classification (germline): Uncertain significance (1 of 4 stars; one submission).

Conditions:
Catecholaminergic polymorphic ventricular tachycardia 1. Also called: VENTRICULAR TACHYCARDIA, STRESS-INDUCED POLYMORPHIC 1; RYR2-Related Catecholaminergic Polymorphic Ventricular Tachycardia; VENTRICULAR TACHYCARDIA, CATECHOLAMINERGIC POLYMORPHIC, 1, WITH OR WITHOUT ATRIAL DYSFUNCTION AND/OR DILATED CARDIOMYOPATHY. Identifiers: Orphanet 3286, MedGen C1631597, MONDO:0011484, OMIM 604772.

Submission:

Labcorp Genetics (formerly Invitae), Labcorp
Classification: Uncertain significance for Catecholaminergic polymorphic ventricular tachycardia 1. Last evaluated: 2022-02-19. Review status: criteria provided, single submitter. Criteria: Invitae Variant Classification Sherloc (09022015). Collection method: clinical testing. Allele origin: germline.
Comment: In summary, the available evidence is currently insufficient to determine the role of this variant in disease. Therefore, it has been classified as a Variant of Uncertain Significance. Algorithms developed to predict the effect of missense changes on protein structure and function are either unavailable or do not agree on the potential impact of this missense change (SIFT: "Deleterious"; PolyPhen-2: "Probably Damaging"; Align-GVGD: "Class C0"). This variant has not been reported in the literature in individuals affected with CASQ2-related conditions. This variant is not present in population databases (gnomAD no frequency). This sequence change replaces lysine, which is basic and polar, with glutamic acid, which is acidic and polar, at codon 98 of the CASQ2 protein (p.Lys98Glu).